The following is an entry in ClinVar:

NM_006361.6(HOXB13):c.96T>A (p.Pro32=)

Gene: HOXB13 (homeobox B13; minus strand). Cytogenetic location: 17q21.32.
Variant type: single nucleotide variant.
Coding change: c.96T>A on transcript NM_006361.6 (MANE Select); coding-DNA position 96, T replaced by A.
Protein change: p.Pro32=; no amino-acid change (proline 32 retained).
Molecular consequence: synonymous variant.
Genome position (GRCh38, 1-based): chr17:48,728,498, A>T on the plus strand (T>A on the coding strand, the complement: HOXB13 is on the minus strand). VCF-style: chr17-48728498-A-T. GRCh37 (hg19) VCF-style: chr17-46805860-A-T.
Identifiers: ClinVar variation 1154431 (VCV001154431.13), dbSNP rs752661579, ClinGen allele CA8634064.

ClinVar aggregate classification (germline): Benign/Likely benign. Review status: criteria provided, multiple submitters, no conflicts (2 of 4 stars). 4 submissions from 4 submitters: Benign (1); Likely benign (3). Last evaluated 2025-08-10.

Conditions:
Hereditary cancer-predisposing syndrome. Also called: Hereditary neoplastic syndrome; Hereditary Cancer Syndrome; Tumor predisposition; Neoplastic Syndromes, Hereditary. Identifiers: Orphanet 140162, MedGen C0027672, MeSH D009386, MONDO:0015356.
Prostate cancer, hereditary, 9 (HPC9). Identifiers: Orphanet 1331, MedGen C1970250, MONDO:0012597, OMIM 610997.

Allele frequency attached by ClinVar (database versions not stated): gnomAD exomes below 0.00001 and 0.00001; ExAC 0.00001.

Submissions (4):

Labcorp Genetics (formerly Invitae), Labcorp
Classification: Likely benign. Last evaluated: 2025-08-10. Review status: criteria provided, single submitter. Criteria: Invitae Variant Classification Sherloc (09022015). Collection method: clinical testing. Allele origin: germline.

Quest Diagnostics Nichols Institute San Juan Capistrano
Classification: Likely benign. Last evaluated: 2024-12-10. Review status: criteria provided, single submitter. Criteria: Quest Diagnostics criteria. Collection method: clinical testing. Allele origin: unknown.

Myriad Genetics, Inc.
Classification: Benign for Prostate cancer, hereditary, 9. Last evaluated: 2024-10-28. Review status: criteria provided, single submitter. Criteria: Myriad Autosomal Dominant, Autosomal Recessive and X-Linked Classification Criteria (2023). Collection method: clinical testing. Allele origin: unknown.
Comment: This variant is considered benign. This variant is a silent/synonymous amino acid change and it is not expected to impact splicing.

Ambry Genetics
Classification: Likely benign for Hereditary cancer-predisposing syndrome. Last evaluated: 2020-10-24. Review status: criteria provided, single submitter. Criteria: Ambry Variant Classification Scheme 2023. Collection method: clinical testing. Allele origin: germline.

Literature cited by the submitters: PubMed 26176944 (cited by Quest Diagnostics Nichols Institute San Juan Capistrano).